The following is an entry in ClinVar:

ClinVar aggregate classification (germline): Benign (1 of 4 stars; one submission).

Conditions:
Isolated focal non-epidermolytic palmoplantar keratoderma. Also called: Palmoplantar keratoderma, nonepidermolytic, focal 2. Identifiers: Orphanet 448264, MedGen C4225339, MONDO:0014622, OMIM 616400.

Allele frequency attached by ClinVar (database versions not stated): gnomAD 0.00001 and 0.00003; gnomAD exomes 0.00002; TOPMed 0.00002; ExAC 0.00004.
gnomAD v4.1: 35 of 1,611,316 alleles (0.0022%); highest among the groups gnomAD compares: Middle Eastern, 0.017%; no homozygotes.

Submission:

Illumina Laboratory Services, Illumina
Classification: Benign for Isolated focal non-epidermolytic palmoplantar keratoderma. Last evaluated: 2018-01-13. Review status: criteria provided, single submitter. Criteria: ICSL Variant Classification Criteria 13 December 2019. Collection method: clinical testing. Allele origin: germline.
Comment: This variant was observed in the ICSL laboratory as part of a predisposition screen in an ostensibly healthy population. It had not been previously curated by ICSL or reported in the Human Gene Mutation Database (HGMD: prior to June 1st, 2018), and was therefore a candidate for classification through an automated scoring system. Utilizing variant allele frequency, disease prevalence and penetrance estimates, and inheritance mode, an automated score was calculated to assess if this variant is too frequent to cause the disease. Based on the score and internal cut-off values, a variant classified as benign is not then subjected to further curation. The score for this variant resulted in a classification of benign for this disease.

NM_145068.4(TRPV3):c.1242C>T (p.Asp414=)

Gene: TRPV3 (transient receptor potential cation channel subfamily V member 3; minus strand). Cytogenetic location: 17p13.2.
Variant type: single nucleotide variant.
Coding change: c.1242C>T on transcript NM_145068.4 (MANE Select); coding-DNA position 1242, C replaced by T.
Protein change: p.Asp414=; no amino-acid change (aspartic acid 414 retained).
Molecular consequence: synonymous variant.
Genome position (GRCh38, 1-based): chr17:3,530,027, G>A on the plus strand (C>T on the coding strand, the complement: TRPV3 is on the minus strand). VCF-style: chr17-3530027-G-A. GRCh37 (hg19) VCF-style: chr17-3433321-G-A.
Other names: c.1242C>T, p.Asp414= (NM_001258205.2).
Identifiers: ClinVar variation 890589 (VCV000890589.4), dbSNP rs779350392, ClinGen allele CA8289553.